The following is an entry in ClinVar:

NM_003839.4(TNFRSF11A):c.1634A>G (p.Asp545Gly)

Gene: TNFRSF11A (TNF receptor superfamily member 11a; plus strand). Cytogenetic location: 18q21.33.
Variant type: single nucleotide variant.
Coding change: c.1634A>G on transcript NM_003839.4 (MANE Select); coding-DNA position 1634, A replaced by G.
Protein change: p.Asp545Gly; replaces aspartic acid 545 with glycine.
Molecular consequence: missense variant. On other transcripts: 3 prime UTR variant (1).
Genome position (GRCh38, 1-based): chr18:62,384,817, A>G. VCF-style: chr18-62384817-A-G. GRCh37 (hg19) VCF-style: chr18-60052050-A-G.
Other names: c.*58A>G (NM_001270949.2); c.797A>G, p.Asp266Gly (NM_001270950.2); c.683A>G, p.Asp228Gly (NM_001270951.2); c.1592A>G, p.Asp531Gly (NM_001278268.2); short protein forms D266G, D531G, D228G, D545G.
Identifiers: ClinVar variation 1461186 (VCV001461186.8), dbSNP rs2145405029, ClinGen allele CA402620005.

ClinVar aggregate classification (germline): Uncertain significance (1 of 4 stars; one submission).

Submission:

Labcorp Genetics (formerly Invitae), Labcorp
Classification: Uncertain significance. Last evaluated: 2024-11-14. Review status: criteria provided, single submitter. Criteria: Invitae Variant Classification Sherloc (09022015). Collection method: clinical testing. Allele origin: germline.
Comment: This sequence change replaces aspartic acid, which is acidic and polar, with glycine, which is neutral and non-polar, at codon 545 of the TNFRSF11A protein (p.Asp545Gly). This variant is not present in population databases (gnomAD no frequency). This variant has not been reported in the literature in individuals affected with TNFRSF11A-related conditions. ClinVar contains an entry for this variant (Variation ID: 1461186). An algorithm developed to predict the effect of missense changes on protein structure and function (PolyPhen-2) suggests that this variant is likely to be disruptive. In summary, the available evidence is currently insufficient to determine the role of this variant in disease. Therefore, it has been classified as a Variant of Uncertain Significance.